The following is an entry in ClinVar:

NM_014747.3(RIMS3):c.109G>A (p.Ala37Thr)

Gene: RIMS3 (regulating synaptic membrane exocytosis 3; minus strand). Cytogenetic location: 1p34.2.
Variant type: single nucleotide variant.
Coding change: c.109G>A on transcript NM_014747.3 (MANE Select); coding-DNA position 109, G replaced by A.
Protein change: p.Ala37Thr; replaces alanine 37 with threonine.
Molecular consequence: missense variant.
Genome position (GRCh38, 1-based): chr1:40,641,817, C>T on the plus strand (G>A on the coding strand, the complement: RIMS3 is on the minus strand). VCF-style: chr1-40641817-C-T. GRCh37 (hg19) VCF-style: chr1-41107489-C-T.
Other names: short protein forms A37T.
Identifiers: ClinVar variation 4996469 (VCV004996469.1).
Genomic context (GRCh38, chr1:40,641,817, plus strand): 5'-CGATGGCCACCATCTTGGCACCCAGGCTGCTCCGCCGCTTCTTGGCGGTGGTGGTCCCAG[C>T]CCCGCCCCCGGCTTGCTGGGATCCGCAGATTTCACCGCTAATGCTGGAGCTCCGCACCAC-3'
Protein context (NP_055562.2, residues 27-47): ICGSQQAGGG[Ala37Thr]GTTTAKKRRS

ClinVar aggregate classification (germline): Uncertain significance (1 of 4 stars; one submission).

Conditions:
RIMS3-related disorder. Also called: RIMS3-related condition.

Submission:

PreventionGenetics, part of Exact Sciences
Classification: Uncertain significance for RIMS3-related condition. Last evaluated: 2026-06-28. Review status: criteria provided, single submitter. Criteria: ACMG Guidelines, 2015. Collection method: clinical testing. Allele origin: germline.
Comment: The RIMS3 c.109G>A variant is predicted to result in the amino acid substitution p.Ala37Thr. To our knowledge, this variant has not been reported in the literature or in a large population database (gnomAD), indicating this variant is rare. At this time, the clinical significance of this variant is uncertain due to the absence of conclusive functional and genetic evidence.